The following is an entry in ClinVar:

ClinVar aggregate classification (germline): Pathogenic/Likely pathogenic. Review status: criteria provided, multiple submitters, no conflicts (2 of 4 stars). 4 submissions from 4 submitters: Pathogenic (1); Likely pathogenic (3). Last evaluated 2025-11-17.

Conditions:
Familial adenomatous polyposis 1 (FAP1). Also called: FAMILIAL ADENOMATOUS POLYPOSIS 1, ATTENUATED; POLYPOSIS, ADENOMATOUS INTESTINAL. Identifiers: MedGen C2713442, MONDO:0021056, OMIM 175100. Disease mechanism: loss of function.
Hereditary cancer-predisposing syndrome. Also called: Neoplastic Syndromes, Hereditary; Tumor predisposition; Hereditary Cancer Syndrome; Hereditary neoplastic syndrome. Identifiers: Orphanet 140162, MedGen C0027672, MeSH D009386, MONDO:0015356.

Submissions (4):

Labcorp Genetics (formerly Invitae), Labcorp
Classification: Pathogenic for Familial adenomatous polyposis 1. Last evaluated: 2025-11-17. Review status: criteria provided, single submitter. Criteria: Invitae Variant Classification Sherloc (09022015). Collection method: clinical testing. Allele origin: germline.
Comment: This sequence change affects an acceptor splice site in intron 2 of the APC gene. RNA analysis indicates that disruption of this splice site induces altered splicing and may result in an absent or altered protein product. This variant is not present in population databases (gnomAD no frequency). Disruption of this splice site has been observed in individual(s) with clinical features of familial adenomatous polyposis (internal data). ClinVar contains an entry for this variant (Variation ID: 482244). Studies have shown that disruption of this splice site results in skipping of exon 3, and produces a non-functional protein and/or introduces a premature termination codon (internal data). For these reasons, this variant has been classified as Pathogenic.

Ambry Genetics
Classification: Likely pathogenic for Hereditary cancer-predisposing syndrome. Last evaluated: 2025-03-23. Review status: criteria provided, single submitter. Criteria: Ambry Variant Classification Scheme 2023. Collection method: clinical testing. Allele origin: germline.
Comment: The c.136-1G>A intronic variant results from a G to A substitution one nucleotide upstream from coding exon 2 of the APC gene. This nucleotide position is highly conserved in available vertebrate species. This variant is considered to be rare based on population cohorts in the Genome Aggregation Database (gnomAD). In silico splice site analysis predicts that this alteration will weaken the native splice acceptor site and will result in the creation or strengthening of a novel splice acceptor site. RNA studies have demonstrated this alteration results in abnormal splicing in the set of samples tested (Ambry internal data). Alterations that disrupt the canonical splice site are expected to cause aberrant splicing, resulting in an abnormal protein or a transcript that is subject to nonsense-mediated mRNA decay. Based on the majority of available evidence to date, this variant is likely to be pathogenic. However, variants at this splice site are associated with an attenuated phenotype and may have reduced penetrance compared to classic familial adenomatous polyposis syndrome. Clinical correlation is advised.

Myriad Genetics, Inc.
Classification: Likely pathogenic for Familial adenomatous polyposis 1. Last evaluated: 2023-04-24. Review status: criteria provided, single submitter. Criteria: Myriad Autosomal Dominant, Autosomal Recessive and X-Linked Classification Criteria (2023). Collection method: clinical testing. Allele origin: unknown.
Comment: This variant is considered likely pathogenic. This variant occurs within a consensus splice junction and is predicted to result in abnormal mRNA splicing of either an out-of-frame exon or an in-frame exon necessary for protein stability and/or normal function.

Color Diagnostics, LLC DBA Color Health
Classification: Likely pathogenic for Hereditary cancer-predisposing syndrome. Last evaluated: 2020-02-25. Review status: criteria provided, single submitter. Criteria: ACMG Guidelines, 2015. Collection method: clinical testing. Allele origin: germline.
Comment: This variant causes a G>A nucleotide substitution at the -1 position of intron 2 of the APC gene. Splice site prediction tools predict that this variant may have a significant impact on RNA splicing. To our knowledge, functional studies have not been reported for this variant. This variant has not been reported in individuals affected with hereditary cancer in the literature. This variant has not been identified in the general population by the Genome Aggregation Database (gnomAD). Loss of APC function is a known mechanism of disease. Based on the available evidence, this variant is classified as Likely Pathogenic.

NM_000038.6(APC):c.136-1G>A

Gene: APC (APC regulator of Wnt signaling pathway; plus strand). Cytogenetic location: 5q22.2.
Variant type: single nucleotide variant.
Coding change: c.136-1G>A on transcript NM_000038.6 (MANE Select); the canonical splice acceptor site of the intron before coding-DNA position 136, G replaced by A.
Molecular consequence: splice acceptor variant.
Genome position (GRCh38, 1-based): chr5:112,766,325, G>A. VCF-style: chr5-112766325-G-A. GRCh37 (hg19) VCF-style: chr5-112102022-G-A.
Other names: c.-900-1G>A (NM_001407470.1, NM_001407472.1, NM_001354906.2 and 1 more transcripts); c.136-1G>A (NM_001407447.1, NM_001354895.2, NM_001407456.1 and 16 more transcripts); c.166-1G>A (NM_001407446.1, NM_001354897.2, NM_001354902.2 and 1 more transcripts); c.-42-1G>A (NM_001407453.1, NM_001354900.2, NM_001354901.2 and 1 more transcripts); c.61-1G>A (NM_001407451.1, NM_001354898.2, NM_001354904.2).
Identifiers: ClinVar variation 482244 (VCV000482244.18), dbSNP rs1554069481, ClinGen allele CA360617462.
Genomic context (GRCh38, chr5:112,766,325, plus strand): 5'-CAGAATCATGTCTTGAAGTTATTTAGAATTTCATGTTAATATATTGTGTTCTTTTTAACA[G>A]GAAGTACTTAAACAACTACAAGGAAGTATTGAAGATGAAGCTATGGCTTCTTCTGGACAG-3'